The following is an entry in ClinVar:

ClinVar aggregate classification (germline): Uncertain significance (1 of 4 stars; one submission).

Allele frequency attached by ClinVar (database versions not stated): gnomAD 0.00001; TOPMed 0.00001.
gnomAD v4.1: 9 of 1,590,700 alleles (0.00057%); highest among the groups gnomAD compares: Admixed American, 0.0017%; no homozygotes.

Submission:

Labcorp Genetics (formerly Invitae), Labcorp
Classification: Uncertain significance. Last evaluated: 2025-06-12. Review status: criteria provided, single submitter. Criteria: Invitae Variant Classification Sherloc (09022015). Collection method: clinical testing. Allele origin: germline.
Comment: This sequence change falls in intron 33 of the ELP1 gene. It does not directly change the encoded amino acid sequence of the ELP1 protein. It affects a nucleotide within the consensus splice site. This variant is present in population databases (no rsID available, gnomAD 0.003%). This variant has not been reported in the literature in individuals affected with ELP1-related conditions. ClinVar contains an entry for this variant (Variation ID: 1985346). Variants that disrupt the consensus splice site are a relatively common cause of aberrant splicing (PMID: 17576681, 9536098). Algorithms developed to predict the effect of sequence changes on RNA splicing suggest that this variant is not likely to affect RNA splicing. In summary, the available evidence is currently insufficient to determine the role of this variant in disease. Therefore, it has been classified as a Variant of Uncertain Significance.

Literature cited by the submitters: PubMed 17576681; PubMed 9536098.

NM_003640.5(ELP1):c.3572+4C>T

Gene: ELP1 (elongator acetyltransferase complex subunit 1; minus strand). Cytogenetic location: 9q31.3.
Variant type: single nucleotide variant.
Coding change: c.3572+4C>T on transcript NM_003640.5 (MANE Select); 4 bases into the intron after coding-DNA position 3572, C replaced by T.
Molecular consequence: intron variant.
Genome position (GRCh38, 1-based): chr9:108,879,442, G>A on the plus strand (C>T on the coding strand, the complement: ELP1 is on the minus strand). VCF-style: chr9-108879442-G-A. GRCh37 (hg19) VCF-style: chr9-111641722-G-A.
Other names: c.3230+4C>T (NM_001318360.2); c.2525+4C>T (NM_001330749.2).
Identifiers: ClinVar variation 1985346 (VCV001985346.2), dbSNP rs1348115016, ClinGen allele CA589604205.